The following is an entry in ClinVar:

NM_001655.5(ARCN1):c.1303C>T (p.Arg435Ter)

Gene: ARCN1 (archain 1; plus strand). Cytogenetic location: 11q23.3.
Variant type: single nucleotide variant.
Coding change: c.1303C>T on transcript NM_001655.5 (MANE Select); coding-DNA position 1303, C replaced by T.
Protein change: p.Arg435Ter; replaces arginine 435 with a stop codon.
Molecular consequence: nonsense.
Genome position (GRCh38, 1-based): chr11:118,597,768, C>T. VCF-style: chr11-118597768-C-T. GRCh37 (hg19) VCF-style: chr11-118468483-C-T.
Other names: c.1039C>T, p.Arg347Ter (NM_001142281.2); short protein forms R347*, R435*.
Identifiers: ClinVar variation 1684136 (VCV001684136.3), dbSNP rs2135556662, ClinGen allele CA382817143.

ClinVar aggregate classification (germline): Pathogenic/Likely pathogenic. Review status: criteria provided, multiple submitters, no conflicts (2 of 4 stars). 2 submissions from 2 submitters: Pathogenic (1); Likely pathogenic (1). Last evaluated 2023-08-13.

Conditions:
ARCN1-related disorder. Also called: ARCN1-related condition.

Submissions (2):

PreventionGenetics, part of Exact Sciences
Classification: Likely pathogenic for ARCN1-related condition. Last evaluated: 2023-08-13. Review status: criteria provided, single submitter. Criteria: ACMG Guidelines, 2015. Collection method: clinical testing. Allele origin: germline.
Comment: The ARCN1 c.1303C>T variant is predicted to result in premature protein termination (p.Arg435*). To our knowledge, this variant has not been reported in the literature or in a large population database, indicating this variant is rare. Nonsense variants near this variant (p.Arg430* and p.Arg434*) have been reported as either inherited from a mosaic parent or de novo in individuals with ARCN1-related disease (Table S1, Gabriel et al. 2022. PubMed ID: 34958143). Nonsense variants in ARCN1 are expected to be pathogenic. This variant is interpreted as likely pathogenic.

GeneDx
Classification: Pathogenic. Last evaluated: 2021-11-17. Review status: criteria provided, single submitter. Criteria: GeneDx Variant Classification Process June 2021. Collection method: clinical testing. Allele origin: germline. Affected: yes.
Comment: Nonsense variant predicted to result in protein truncation or nonsense mediated decay in a gene for which loss-of-function is a known mechanism of disease; Not observed at significant frequency in large population cohorts (gnomAD); Has not been previously published as pathogenic or benign to our knowledge